The following is an entry in ClinVar:

NM_001365951.3(KIF1B):c.2863C>G (p.Leu955Val)

Genes: KIF1B (kinesin family member 1B; plus strand), LOC126805614 (BRD4-independent group 4 enhancer GRCh37_chr1:10385546-10386745; plus strand). Cytogenetic location: 1p36.22.
Variant type: single nucleotide variant.
Coding change: c.2863C>G on transcript NM_001365951.3 (MANE Select); coding-DNA position 2863, C replaced by G.
Protein change: p.Leu955Val; replaces leucine 955 with valine.
Molecular consequence: missense variant.
Genome position (GRCh38, 1-based): chr1:10,326,298, C>G. VCF-style: chr1-10326298-C-G. GRCh37 (hg19) VCF-style: chr1-10386356-C-G.
Other names: c.2863C>G, p.Leu955Val (NM_001365952.1); c.2725C>G, p.Leu909Val (NM_015074.3); short protein forms L955V, L909V.
Identifiers: ClinVar variation 3533908 (VCV003533908.1).
Genomic context (GRCh38, chr1:10,326,298, plus strand): 5'-GATGATGAGGCATTCGTGGATGACGCCGGCTCTGACGCAGGGACGGAGGAGGGATCAGAT[C>G]TCTTCAGTGACGGGCATGACCCGTTTTACGACCGATCCCCTTGGTTCATTTTAGTGGGAA-3'
Protein context (NP_001352880.1, residues 945-965): SDAGTEEGSD[Leu955Val]FSDGHDPFYD

ClinVar aggregate classification (germline): Uncertain significance (1 of 4 stars; one submission).

gnomAD v4.1: 1 of 1,614,202 alleles (0.000062%); highest among the groups gnomAD compares: Non-Finnish European, 0.000085%; no homozygotes.

Submission:

Ambry Genetics
Classification: Uncertain significance. Last evaluated: 2024-11-14. Review status: criteria provided, single submitter. Criteria: Ambry Variant Classification Scheme 2023. Collection method: clinical testing. Allele origin: germline.
Comment: The p.L909V variant (also known as c.2725C>G), located in coding exon 24 of the KIF1B gene, results from a C to G substitution at nucleotide position 2725. The leucine at codon 909 is replaced by valine, an amino acid with highly similar properties. This amino acid position is well conserved in available vertebrate species. In addition, this alteration is predicted to be tolerated by in silico analysis. The evidence for this gene-disease relationship is limited; therefore, the clinical significance of this alteration is unclear.